The following is an entry in ClinVar:

ClinVar aggregate classification (germline): Likely pathogenic (1 of 4 stars; one submission).

Conditions:
Mucopolysaccharidosis, MPS-III-B (MPS3B). Also called: N-ACETYL-ALPHA-D-GLUCOSAMINIDASE DEFICIENCY; NAGLU DEFICIENCY; SANFILIPPO SYNDROME B; MPS III B; MPS IIIB (Sanfilippo Syndrome Type B); MUCOPOLYSACCHARIDOSIS, TYPE IIIB. Identifiers: Orphanet 79270, MedGen C0086648, MONDO:0009656, OMIM 252920.
Charcot-Marie-Tooth disease axonal type 2V. Also called: CHARCOT-MARIE-TOOTH NEUROPATHY, TYPE 2V; CHARCOT-MARIE-TOOTH DISEASE, AXONAL, AUTOSOMAL DOMINANT, TYPE 2V. Identifiers: Orphanet 447964, MedGen C5569050, MONDO:0014665, OMIM 616491.

Allele frequency attached by ClinVar (database versions not stated): ExAC 0.00001.
gnomAD v4.1: 1 of 1,613,878 alleles (0.000062%); highest among the groups gnomAD compares: Non-Finnish European, 0.000085%; no homozygotes.

Submission:

Labcorp Genetics (formerly Invitae), Labcorp
Classification: Likely pathogenic for Charcot-Marie-Tooth disease axonal type 2V; Mucopolysaccharidosis, MPS-III-B. Last evaluated: 2021-06-30. Review status: criteria provided, single submitter. Criteria: Invitae Variant Classification Sherloc (09022015). Collection method: clinical testing. Allele origin: germline.
Comment: This sequence change replaces glycine with alanine at codon 426 of the NAGLU protein (p.Gly426Ala). The glycine residue is highly conserved and there is a small physicochemical difference between glycine and alanine. This variant is present in population databases (rs771151036, ExAC 0.002%). This variant has not been reported in the literature in individuals affected with NAGLU-related conditions. Advanced modeling of protein sequence and biophysical properties (such as structural, functional, and spatial information, amino acid conservation, physicochemical variation, residue mobility, and thermodynamic stability) performed at Invitae indicates that this missense variant is expected to disrupt NAGLU protein function. Experimental studies have shown that this variant affects NAGLU protein function (PMID: 29979746; Invitae). This variant disrupts the p.Gly426Asp amino acid residue in NAGLU. Other variant(s) that disrupt this residue have been determined to be pathogenic (Invitae). This suggests that this residue is clinically significant, and that variants that disrupt this residue are likely to be disease-causing. In summary, the currently available evidence indicates that the variant is pathogenic, but additional data are needed to prove that conclusively. Therefore, this variant has been classified as Likely Pathogenic.

Literature cited by the submitters: PubMed 29979746.

NM_000263.4(NAGLU):c.1277G>C (p.Gly426Ala)

Gene: NAGLU (N-acetyl-alpha-glucosaminidase; plus strand). Cytogenetic location: 17q21.2.
Variant type: single nucleotide variant.
Coding change: c.1277G>C on transcript NM_000263.4 (MANE Select); coding-DNA position 1277, G replaced by C.
Protein change: p.Gly426Ala; replaces glycine 426 with alanine.
Molecular consequence: missense variant.
Genome position (GRCh38, 1-based): chr17:42,543,283, G>C. VCF-style: chr17-42543283-G-C. GRCh37 (hg19) VCF-style: chr17-40695301-G-C.
Other names: short protein forms G426A.
Identifiers: ClinVar variation 1474299 (VCV001474299.8), dbSNP rs771151036, ClinGen allele CA8576990.